The following is an entry in ClinVar:

NM_024675.4(PALB2):c.1379A>G (p.Gln460Arg)

Gene: PALB2 (partner and localizer of BRCA2; minus strand). Cytogenetic location: 16p12.2.
Variant type: single nucleotide variant.
Coding change: c.1379A>G on transcript NM_024675.4 (MANE Select); coding-DNA position 1379, A replaced by G.
Protein change: p.Gln460Arg; replaces glutamine 460 with arginine.
Molecular consequence: missense variant.
Genome position (GRCh38, 1-based): chr16:23,635,167, T>C on the plus strand (A>G on the coding strand, the complement: PALB2 is on the minus strand). VCF-style: chr16-23635167-T-C. GRCh37 (hg19) VCF-style: chr16-23646488-T-C.
Other names: short protein forms Q460R.
Identifiers: ClinVar variation 187141 (VCV000187141.41), dbSNP rs749494645, ClinGen allele CA196834.
Genomic context (GRCh38, chr16:23,635,167, plus strand): 5'-TTCTGAGAGGTTCTTGAACTTGGTTGTCCTGTGCATGTGCCAGACATCCTAATTTCACTT[T>C]GGTCAGTTTCCTCATTGGAAAGGTTTAAATTTTTACTTGCATCCTTATTTTTATTTTTAA-3'
Protein context (NP_078951.2, residues 450-470): NLNLSNEETD[Gln460Arg]SEIRMSGTCT

ClinVar aggregate classification (germline): Conflicting classifications of pathogenicity. Review status: criteria provided, conflicting classifications (1 of 4 stars). 17 submissions from 17 submitters: Uncertain significance (5); Benign (3); Likely benign (7). 2 of the submissions do not count toward it. Last evaluated 2026-01-27.

Conditions:
PALB2-related disorder. Also called: PALB2-related disorders; PALB2-related condition.
Breast-ovarian cancer, familial, susceptibility to, 5 (BROVCA5). Identifiers: MedGen C5830615, MONDO:0957530, OMIM 620442.
Fanconi anemia complementation group N. Also called: PALB2-Related Fanconi Anemia. Identifiers: Orphanet 84, MedGen C1835817, MONDO:0012565, OMIM 610832. Disease mechanism: loss of function.
Pancreatic cancer, susceptibility to, 3. Identifiers: Orphanet 1333, MedGen C3150547, MONDO:0013236, OMIM 613348.
Hereditary cancer-predisposing syndrome. Also called: Hereditary Cancer Syndrome; Neoplastic Syndromes, Hereditary; Tumor predisposition; Hereditary neoplastic syndrome. Identifiers: Orphanet 140162, MedGen C0027672, MeSH D009386, MONDO:0015356.
Hereditary breast ovarian cancer syndrome. Also called: Breast and ovarian cancer; BRCA1- and BRCA2-Associated Hereditary Breast and Ovarian Cancer; Hereditary breast and ovarian cancer syndrome; Hereditary breast and ovarian cancer; Hereditary breast and/or ovarian cancer syndrome; Hereditary breast and ovarian cancer syndrome (HBOC). Identifiers: Orphanet 145, MedGen C0677776, MeSH D061325, MONDO:0003582. Disease mechanism: loss of function.
Familial cancer of breast. Also called: BREAST CANCER, FAMILIAL; hereditary breast carcinoma; Hereditary breast cancer. Identifiers: Orphanet 227535, MedGen C0346153, MONDO:0016419, OMIM 114480. Disease mechanism: loss of function.

Allele frequency attached by ClinVar (database versions not stated): gnomAD 0.00002 and 0.00004; gnomAD exomes 0.00007 and 0.00014; TOPMed 0.00002; ExAC 0.00008.
gnomAD v4.1: 203 of 1,614,118 alleles (0.013%); highest among the groups gnomAD compares: East Asian, 0.45%; no homozygotes.

Submissions (17):

Labcorp Genetics (formerly Invitae), Labcorp
Classification: Likely benign for Familial cancer of breast. Last evaluated: 2026-01-27. Review status: criteria provided, single submitter. Criteria: Invitae Variant Classification Sherloc (09022015). Collection method: clinical testing. Allele origin: germline.

Center for Genomic Medicine, Rigshospitalet, Copenhagen University Hospital
Classification: Benign. Last evaluated: 2025-03-04. Review status: criteria provided, single submitter. Criteria: ACMG Guidelines, 2015. Collection method: clinical testing. Allele origin: germline.
Comment: Classification criteria: BA1

Myriad Genetics, Inc.
Classification: Likely benign for Familial cancer of breast. Last evaluated: 2025-01-13. Review status: criteria provided, single submitter. Criteria: Myriad Autosomal Dominant, Autosomal Recessive and X-Linked Classification Criteria (2023). Collection method: clinical testing. Allele origin: unknown.
Comment: This variant is considered likely benign. This variant is strongly associated with less severe personal and family histories of cancer, typical for individuals without pathogenic variants in this gene [PMID: 25085752].

Dasa
Classification: Benign for Breast-ovarian cancer, familial, susceptibility to, 5. Last evaluated: 2024-11-21. Review status: criteria provided, single submitter. Criteria: DASA Assertion Criteria. Collection method: clinical testing. Allele origin: germline.
Comment: NM_024675.4(PALB2):c.1379A>G (p.Gln460Arg) is interpreted as benign based on a combination of available evidence, including population frequency, in silico models suggesting no deleterious effect, and the mechanism of disease or impacted region being inconsistent with a known cause of pathogenicity. Based on the available data, this variant is classified as benign.

Molecular Pathology, Peter Maccallum Cancer Centre
Classification: Likely benign for Familial cancer of breast. Last evaluated: 2024-06-25. Review status: criteria provided, single submitter. Criteria: ACMG Guidelines, 2015. Collection method: clinical testing. Allele origin: germline. Inheritance: Autosomal dominant inheritance.

Department of Pathology and Laboratory Medicine, Sinai Health System
Classification: Likely benign for Fanconi anemia complementation group N; Pancreatic cancer, susceptibility to, 3; Breast-ovarian cancer, familial, susceptibility to, 5. Last evaluated: 2024-01-31. Review status: criteria provided, single submitter. Criteria: ACMG Guidelines, 2015. Collection method: clinical testing. Allele origin: germline. Affected: no.

GeneDx
Classification: Uncertain significance. Last evaluated: 2022-03-21. Review status: criteria provided, single submitter. Criteria: GeneDx Variant Classification Process June 2021. Collection method: clinical testing. Allele origin: germline. Affected: yes.
Comment: In silico analysis supports that this missense variant does not alter protein structure/function; Observed in individuals with breast, ovarian, gastric, or prostate cancer (Nakagomi 2016, Decker 2017, Chan 2018, Momozawa 2018, Suzuki 2020, Hata 2021, Hagio 2021); This variant is associated with the following publications: (PMID: 26411315, 27701467, 28796317, 28779002, 29338689, 32566746, 33414401, 34755017, 30093976, 32426482, 30287823, 34736091)

Women's Health and Genetics/Laboratory Corporation of America, LabCorp
Classification: Benign. Last evaluated: 2021-10-05. Review status: criteria provided, single submitter. Criteria: LabCorp Variant Classification Summary - May 2015. Collection method: clinical testing. Allele origin: germline.
Comment: Variant summary: PALB2 c.1379A>G (p.Gln460Arg) results in a conservative amino acid change in the encoded protein sequence. Five of five in-silico tools predict a benign effect of the variant on protein function. The variant allele was found at a frequency of 6.8e-05 in 250890 control chromosomes, predominantly at a frequency of 0.00092 within the East Asian subpopulation in the gnomAD database. The observed variant frequency within East Asian control individuals in the gnomAD database is approximately 6 fold of the estimated maximal expected allele frequency for a pathogenic variant in PALB2 causing Hereditary Breast And Ovarian Cancer Syndrome phenotype (0.00016), strongly suggesting that the variant is a benign polymorphism found primarily in populations of East Asian origin. c.1379A>G has been reported in the literature predominantly in individuals of East Asian ancestry affected with breast and/or ovarian cancer without strong evidence for causality (example, Nakagomi_2016, Sato_2017, and Chan_2018). These reports do not provide unequivocal conclusions about association of the variant with Hereditary Breast And Ovarian Cancer Syndrome. At-least one co-occurrence with another pathogenic variant has been observed at our laboratory (CDH1 c.1565+2dupT), providing supporting evidence for a benign role. To our knowledge, no experimental evidence demonstrating an impact on protein function has been reported. Multiple clinical diagnostic laboratories have submitted clinical-significance assessments for this variant to ClinVar after 2014 without evidence for independent evaluation. Seven laboratories have classified the variant as variant of uncertain significance, three laboratories have classified the variant as likely benign and one laboratory have classified the variant Benign. Based on the evidence outlined above, the variant was classified as Benign.

Sema4
Classification: Likely benign for Hereditary cancer-predisposing syndrome. Last evaluated: 2021-07-16. Review status: criteria provided, single submitter. Criteria: Sema4 Curation Guidelines. Collection method: curation. Allele origin: germline.

Ambry Genetics
Classification: Likely benign for Hereditary cancer-predisposing syndrome. Last evaluated: 2021-03-08. Review status: criteria provided, single submitter. Criteria: Ambry Variant Classification Scheme 2023. Collection method: clinical testing. Allele origin: germline.

Mendelics
Classification: Uncertain significance for Familial cancer of breast. Last evaluated: 2019-05-28. Review status: criteria provided, single submitter. Criteria: Mendelics Assertion Criteria 2017. Collection method: clinical testing. Allele origin: unknown.

Cancer Genomics Group, Japanese Foundation For Cancer Research
Classification: Uncertain significance for Hereditary breast and ovarian cancer syndrome. Last evaluated: 2019-05-01. Review status: criteria provided, single submitter. Criteria: ACMG Guidelines, 2015. Collection method: research. Allele origin: germline. Affected: yes.

Genetic Services Laboratory, University of Chicago
Classification: Uncertain significance. Last evaluated: 2018-07-12. Review status: criteria provided, single submitter. Criteria: ACMG Guidelines, 2015. Collection method: clinical testing. Allele origin: germline. Affected: no.

Illumina Laboratory Services, Illumina
Classification: Uncertain significance for Fanconi anemia complementation group N. Last evaluated: 2018-01-13. Review status: criteria provided, single submitter. Criteria: ICSL Variant Classification Criteria 13 December 2019. Collection method: clinical testing. Allele origin: germline.

Color Diagnostics, LLC DBA Color Health
Classification: Likely benign for Hereditary cancer-predisposing syndrome. Last evaluated: 2016-07-14. Review status: criteria provided, single submitter. Criteria: ACMG Guidelines, 2015. Collection method: clinical testing. Allele origin: germline.

PreventionGenetics, part of Exact Sciences
Classification: Likely benign for PALB2-related condition. Last evaluated: 2024-09-20. Review status: no assertion criteria provided. Collection method: clinical testing. Allele origin: germline. Not counted in ClinVar's aggregate classification.
Comment: This variant is classified as likely benign based on ACMG/AMP sequence variant interpretation guidelines (Richards et al. 2015 PMID: 25741868, with internal and published modifications).

Leiden Open Variation Database
Classification: Benign. Last evaluated: 2018-10-10. Review status: no assertion criteria provided. Collection method: curation. Allele origin: germline. Affected: yes. Not counted in ClinVar's aggregate classification.
Comment: Curators: Marc Tischkowitz, Arleen D. Auerbach. Submitter to LOVD: Yukihide Momozawa.

Literature cited by the submitters: PubMed 25085752 (cited by Myriad Genetics, Inc.); PubMed 30287823 (cited by 3 submitters); PubMed 28796317 (cited by 4 submitters); PubMed 26411315 (cited by 4 submitters); PubMed 28779002 (cited by Department of Pathology and Laboratory Medicine, Sinai Health System and Sema4); PubMed 33471991 (cited by Department of Pathology and Laboratory Medicine, Sinai Health System and Sema4); PubMed 30093976 (cited by Women's Health and Genetics/Laboratory Corporation of America, LabCorp and Sema4); PubMed 32980694 (cited by Sema4); PubMed 32426482 (cited by Sema4); PubMed 27701467 (cited by Ambry Genetics).